The following is an entry in ClinVar:

ClinVar aggregate classification (germline): Uncertain significance (1 of 4 stars; one submission).

Conditions:
Autosomal recessive limb-girdle muscular dystrophy type 2Y (MRRSDC). Also called: Muscular dystrophy, limb-girdle, type 2y; Muscular dystrophy, autosomal recessive, with rigid spine and distal joint contractures. Identifiers: Orphanet 424261, MedGen C4511482, MONDO:0014900, OMIM 617072.

Submission:

Labcorp Genetics (formerly Invitae), Labcorp
Classification: Uncertain significance for Autosomal recessive limb-girdle muscular dystrophy type 2Y. Last evaluated: 2022-03-04. Review status: criteria provided, single submitter. Criteria: Invitae Variant Classification Sherloc (09022015). Collection method: clinical testing. Allele origin: germline.
Comment: This sequence change replaces aspartic acid, which is acidic and polar, with glutamic acid, which is acidic and polar, at codon 449 of the TOR1AIP1 protein (p.Asp449Glu). This variant is not present in population databases (gnomAD no frequency). This variant has not been reported in the literature in individuals affected with TOR1AIP1-related conditions. Algorithms developed to predict the effect of missense changes on protein structure and function (SIFT, PolyPhen-2, Align-GVGD) all suggest that this variant is likely to be tolerated. In summary, the available evidence is currently insufficient to determine the role of this variant in disease. Therefore, it has been classified as a Variant of Uncertain Significance.

NM_015602.4(TOR1AIP1):c.1344T>G (p.Asp448Glu)

Gene: TOR1AIP1 (torsin 1A interacting protein 1; plus strand). Cytogenetic location: 1q25.2.
Variant type: single nucleotide variant.
Coding change: c.1344T>G on transcript NM_015602.4 (MANE Select); coding-DNA position 1344, T replaced by G.
Protein change: p.Asp448Glu; replaces aspartic acid 448 with glutamic acid.
Molecular consequence: missense variant.
Genome position (GRCh38, 1-based): chr1:179,917,831, T>G. VCF-style: chr1-179917831-T-G. GRCh37 (hg19) VCF-style: chr1-179886966-T-G.
Other names: c.1347T>G, p.Asp449Glu (NM_001267578.2); short protein forms D449E, D448E.
Identifiers: ClinVar variation 2102042 (VCV002102042.4), dbSNP rs974380908, ClinGen allele CA33688756.